The following is an entry in ClinVar:

NM_001267550.2(TTN):c.85262dup (p.Arg28422fs)

Genes: TTN (titin; minus strand), TTN-AS1 (TTN antisense RNA 1; plus strand). Cytogenetic location: 2q31.2.
Variant type: Duplication.
Coding change: c.85262dup on transcript NM_001267550.2 (MANE Select); coding-DNA position 85262, one base duplicated (T; older notation c.85262dupT).
Protein change: p.Arg28422fs; shifts the reading frame from arginine 28422.
Molecular consequence: frameshift variant.
Genome position (GRCh38, 1-based): chr2:178,560,870, A duplicated on the plus strand (T on the coding strand, the reverse complement: TTN is on the minus strand). VCF-style (leftmost placement, unchanged base first): chr2-178560869-T-TA. GRCh37 (hg19) VCF-style: chr2-179425596-T-TA.
Other names: c.80339dup, p.Arg26781fs (NM_001256850.1); c.58067dup, p.Arg19357fs (NM_003319.4); c.77558dup, p.Arg25854fs (NM_133378.4); c.58442dup, p.Arg19482fs (NM_133432.3); c.58643dup, p.Arg19549fs (NM_133437.4); short protein forms R19549fs, R25854fs, R28422fs, R26781fs, R19357fs, R19482fs.
Identifiers: ClinVar variation 2950724 (VCV002950724.3), dbSNP rs1703393746, ClinGen allele CA1310527218.

ClinVar aggregate classification (germline): Likely pathogenic (1 of 4 stars; one submission).

Conditions:
Dilated cardiomyopathy 1G (CMD1G). Identifiers: Orphanet 154, MedGen C1858763, MONDO:0011400, OMIM 604145.
Autosomal recessive limb-girdle muscular dystrophy type 2J (LGMDR10). Also called: Limb-girdle muscular dystrophy, type 2J; MUSCULAR DYSTROPHY, LIMB-GIRDLE, AUTOSOMAL RECESSIVE 10. Identifiers: Orphanet 140922, MedGen C1837342, MONDO:0012127, OMIM 608807.

Allele frequency attached by ClinVar (database versions not stated): TOPMed below 0.00001.

Submission:

Labcorp Genetics (formerly Invitae), Labcorp
Classification: Likely pathogenic for Dilated cardiomyopathy 1G; Autosomal recessive limb-girdle muscular dystrophy type 2J. Last evaluated: 2024-10-15. Review status: criteria provided, single submitter. Criteria: Invitae Variant Classification Sherloc (09022015). Collection method: clinical testing. Allele origin: germline.
Comment: This sequence change creates a premature translational stop signal (p.Arg28422Lysfs*23) in the TTN gene. While this is not anticipated to result in nonsense mediated decay, it is expected to create a truncated TTN protein. This variant is not present in population databases (gnomAD no frequency). This variant has not been reported in the literature in individuals affected with TTN-related conditions. This variant is located in the A band of TTN (PMID: 25589632). Truncating variants in this region are significantly overrepresented in patients affected with dilated cardiomyopathy (PMID: 25589632). Truncating variants in this region have also been reported in individuals affected with autosomal recessive centronuclear myopathy (PMID: 23975875). In summary, the currently available evidence indicates that the variant is pathogenic, but additional data are needed to prove that conclusively. Therefore, this variant has been classified as Likely Pathogenic.

Literature cited by the submitters: PubMed 25589632; PubMed 23975875.